The following is an entry in ClinVar:

NM_002180.3(IGHMBP2):c.2356del (p.Ala786fs)

Gene: IGHMBP2 (immunoglobulin mu DNA binding protein 2; plus strand). Cytogenetic location: 11q13.3.
Variant type: Deletion.
Coding change: c.2356del on transcript NM_002180.3 (MANE Select); coding-DNA position 2356, one base deleted (G; older notation c.2356delG).
Protein change: p.Ala786fs; shifts the reading frame from alanine 786.
Molecular consequence: frameshift variant.
Genome position (GRCh38, 1-based): chr11:68,936,836, G deleted; the last of 3 consecutive G bases (chr11:68,936,834-68,936,836); deleting any one gives the same sequence. VCF-style (leftmost placement, unchanged base first): chr11-68936833-AG-A. GRCh37 (hg19) VCF-style: chr11-68704301-AG-A.
Other names: c.2356delG (NM_002180.2); short protein forms A786fs.
Identifiers: ClinVar variation 637908 (VCV000637908.14), dbSNP rs750994603, ClinGen allele CA6153886.

ClinVar aggregate classification (germline): Pathogenic. Review status: criteria provided, multiple submitters, no conflicts (2 of 4 stars). 6 submissions from 6 submitters: Pathogenic (5). 1 of the submissions does not count toward it. Last evaluated 2026-01-06.

Conditions:
Autosomal recessive distal spinal muscular atrophy 1. Also called: NEURONOPATHY, SEVERE INFANTILE AXONAL, WITH RESPIRATORY FAILURE; SEVERE INFANTILE AXONAL NEUROPATHY WITH RESPIRATORY FAILURE; SPINAL MUSCULAR ATROPHY, DIAPHRAGMATIC; Spinal muscular atrophy with respiratory distress 1; NEURONOPATHY, DISTAL HEREDITARY MOTOR, HARDING TYPE VI; NEUROPATHY, DISTAL HEREDITARY MOTOR, AUTOSOMAL RECESSIVE 1. Identifiers: Orphanet 98920, MedGen C1858517, MONDO:0011436, OMIM 604320.
Charcot-Marie-Tooth disease axonal type 2S. Also called: CHARCOT-MARIE-TOOTH DISEASE, AXONAL, AUTOSOMAL RECESSIVE, TYPE 2S; CHARCOT-MARIE-TOOTH NEUROPATHY, TYPE 2S. Identifiers: Orphanet 443073, MedGen C4015349, MONDO:0014511, OMIM 616155.
Distal spinal muscular atrophy. Also called: Distal hereditary motor neuropathy; Distal hereditary motor neuronopathy. Identifiers: Orphanet 53739, MedGen C0393541, MONDO:0018894.

Submissions (6):

Variantyx, Inc.
Classification: Pathogenic for Charcot-Marie-Tooth disease axonal type 2S. Last evaluated: 2026-01-06. Review status: criteria provided, single submitter. Criteria: Variantyx Assertion Criteria 2022. Collection method: clinical testing. Allele origin: germline. Inheritance: Autosomal recessive inheritance.
Comment: This is a frameshift variant in the IGHMBP2 gene (OMIM: 600502). Pathogenic variants in this gene have been associated with autosomal recessive IGHMBP2-related disorders. This variant introduces a premature termination codon in exon 13 out of 15a nd is expected to result in loss of function, which is a known disease mechanism for IGHMBP2 in these disorders (PVS1). Te alteration has been identified in the homozygous or compound heterozygous state in at least 3 individuals reported in the published literature (PMID: 16765827, 31211173, 32154989) (PM3). It has a 0.0134% maximum allele frequency in non-founder control populations (PM2). Based on the current evidence, this variant is classified as pathogenic for autosomal recessive IGHMBP2-related disorders.

Labcorp Genetics (formerly Invitae), Labcorp
Classification: Pathogenic for Autosomal recessive distal spinal muscular atrophy 1; Charcot-Marie-Tooth disease axonal type 2S. Last evaluated: 2024-12-07. Review status: criteria provided, single submitter. Criteria: Invitae Variant Classification Sherloc (09022015). Collection method: clinical testing. Allele origin: germline.
Comment: This sequence change creates a premature translational stop signal (p.Ala786Profs*45) in the IGHMBP2 gene. It is expected to result in an absent or disrupted protein product. Loss-of-function variants in IGHMBP2 are known to be pathogenic (PMID: 14681881, 25439726, 25568292). This variant is present in population databases (rs750994603, gnomAD 0.03%). This premature translational stop signal has been observed in individual(s) with Charcot-Marie-Tooth disease type 2 and/or spinal muscular atrophy with respiratory distress type I (PMID: 16765827, 28065684, 28397221). In at least one individual the data is consistent with being in trans (on the opposite chromosome) from a pathogenic variant. This variant is also known as c.2355_2356delG. ClinVar contains an entry for this variant (Variation ID: 637908). For these reasons, this variant has been classified as Pathogenic.

Fulgent Genetics
Classification: Pathogenic for Autosomal recessive distal spinal muscular atrophy 1; Charcot-Marie-Tooth disease axonal type 2S. Last evaluated: 2024-06-06. Review status: criteria provided, single submitter. Criteria: ACMG Guidelines, 2015. Collection method: clinical testing. Allele origin: germline.

GeneDx
Classification: Pathogenic. Last evaluated: 2018-12-27. Review status: criteria provided, single submitter. Criteria: GeneDx Variant Classification (06012015). Collection method: clinical testing. Allele origin: germline. Affected: yes.
Comment: The c.2356delG variant in the IGHMBP2 gene has been reported previously in association with IGHMBP2-related disorders with present in trans with another disease-causing variant (Wong et al., 2006; Liu et al., 2017). The c.2356delG variant causes a frameshift starting with codon Alanine 786, changes this amino acid to a Proline residue, and creates a premature Stop codon at position 45 of the new reading frame, denoted p.Ala786ProfsX45. This variant is predicted to cause loss of normal protein function either through protein truncation or nonsense-mediated mRNA decay. The c.2356delG variant is observed in 5/18,844 (0.026%) alleles from individuals of East Asian background in large population cohorts, and no individuals were reported to be homozygous (Lek et al., 2016). We interpret c.2356delG as a pathogenic variant.

Juno Genomics, Hangzhou Juno Genomics, Inc
Classification: Pathogenic for Autosomal recessive distal spinal muscular atrophy 1; Charcot-Marie-Tooth disease axonal type 2S. Review status: criteria provided, single submitter. Criteria: ACMG Guidelines, 2015. Collection method: clinical testing. Allele origin: germline.
Comment: Absent from controls (or at extremely low frequency if recessive) in Genome Aggregation Database.;Null variant in a gene where loss of function (LOF) is a known mechanism of disease.;For recessive disorders, detected in trans with a pathogenic variant.

Inherited Neuropathy Consortium
Classification: Uncertain significance for Distal spinal muscular atrophy. Review status: no assertion criteria provided. Collection method: literature only. Allele origin: germline. Affected: yes. Not counted in ClinVar's aggregate classification.

Literature cited by the submitters: PubMed 16765827 (cited by 3 submitters); PubMed 31211173 (cited by Variantyx, Inc.); PubMed 32154989 (cited by Variantyx, Inc.); PubMed 14681881 (cited by Labcorp Genetics (formerly Invitae), Labcorp); PubMed 25439726 (cited by Labcorp Genetics (formerly Invitae), Labcorp); PubMed 25568292 (cited by Labcorp Genetics (formerly Invitae), Labcorp); PubMed 28065684 (cited by Labcorp Genetics (formerly Invitae), Labcorp); PubMed 28397221 (cited by Labcorp Genetics (formerly Invitae), Labcorp).